The following is an entry in ClinVar:

ClinVar aggregate classification (germline): Likely benign (1 of 4 stars; one submission).

Allele frequency attached by ClinVar (database versions not stated): gnomAD exomes 0.00034; gnomAD 0.00215; TOPMed 0.00230; 1000 Genomes Project 0.00260; 1000 Genomes Project 30x 0.00281.
gnomAD v4.1: 426 of 397,784 alleles (0.11%); highest among the groups gnomAD compares: African/African-American, 0.76%; 1 homozygote.

Submission:

CeGaT Center for Human Genetics Tuebingen
Classification: Likely benign. Last evaluated: 2026-02-01. Review status: criteria provided, single submitter. Criteria: CeGaT Center For Human Genetics Tuebingen Variant Classification Criteria Version 2. Collection method: clinical testing. Allele origin: germline. Affected: yes. Observed: 2 variant alleles.
Comment: BRAF: BS1

NM_004333.6(BRAF):c.1177+1932C>T

Gene: BRAF (B-Raf proto-oncogene, serine/threonine kinase; minus strand). Cytogenetic location: 7q34.
Variant type: single nucleotide variant.
Coding change: c.1177+1932C>T on transcript NM_004333.6 (MANE Select); 1932 bases into the intron after coding-DNA position 1177, C replaced by T.
Molecular consequence: intron variant.
Genome position (GRCh38, 1-based): chr7:140,785,616, G>A on the plus strand (C>T on the coding strand, the complement: BRAF is on the minus strand). VCF-style: chr7-140785616-G-A. GRCh37 (hg19) VCF-style: chr7-140485416-G-A.
Other names: c.1177+1932C>T (NM_001378474.1, NM_001378468.1, NM_001354609.2 and 1 more transcripts); c.1075+1932C>T (NM_001378470.1); c.913+1932C>T (NM_001378475.1); c.1141-2533C>T (NM_001378471.1); c.1297+73C>T (NM_001374258.1, NM_001374244.1); c.1186+1932C>T (NM_001378467.1); c.1021+1932C>T (NM_001378472.1, NM_001378473.1).
Identifiers: ClinVar variation 2658038 (VCV002658038.24), dbSNP rs140010652, ClinGen allele CA168093196.